The following is an entry in ClinVar:

NM_000497.4(CYP11B1):c.*1020C>T

Gene: CYP11B1 (cytochrome P450 family 11 subfamily B member 1; minus strand). Cytogenetic location: 8q24.3.
Variant type: single nucleotide variant.
Coding change: c.*1020C>T on transcript NM_000497.4 (MANE Select); 1020 bases downstream of the stop codon, C replaced by T.
Molecular consequence: 3 prime UTR variant.
Genome position (GRCh38, 1-based): chr8:142,873,353, G>A on the plus strand (C>T on the coding strand, the complement: CYP11B1 is on the minus strand). VCF-style: chr8-142873353-G-A. GRCh37 (hg19) VCF-style: chr8-143954769-G-A.
Other names: c.*1020C>T (NM_001026213.1).
Identifiers: ClinVar variation 362122 (VCV000362122.7), dbSNP rs5017238, ClinGen allele CA10630436.

ClinVar aggregate classification (germline): Benign. Review status: criteria provided, multiple submitters, no conflicts (2 of 4 stars). 4 submissions from 3 submitters: Benign (4). Last evaluated 2021-05-11.

Conditions:
Deficiency of steroid 11-beta-monooxygenase (CYP11B1). Also called: ADRENAL HYPERPLASIA, CONGENITAL, DUE TO STEROID 11-BETA-HYDROXYLASE DEFICIENCY; 11-BETA-HYDROXYLASE DEFICIENCY; ADRENAL HYPERPLASIA IV; P450C11B1 DEFICIENCY; STEROID 11-BETA-HYDROXYLASE DEFICIENCY; Congenital adrenal hyperplasia due to 11-beta-hydroxylase deficiency. Identifiers: Orphanet 90795, MedGen C0268292, MONDO:0008729, OMIM 202010. Disease mechanism: loss of function.
Glucocorticoid-remediable aldosteronism. Also called: Hyperaldosteronism, familial, type I; ACTH-DEPENDENT HYPERALDOSTERONISM SYNDROME; ALDOSTERONISM, SENSITIVE TO DEXAMETHASONE; FH I; GLUCOCORTICOID-SUPPRESSIBLE HYPERALDOSTERONISM. Identifiers: Orphanet 403, MedGen C3838731, MONDO:0007080, OMIM 103900.

Allele frequency attached by ClinVar (database versions not stated): TOPMed 0.61292; gnomAD exomes 0.63333; 1000 Genomes Project 30x 0.69254; 1000 Genomes Project 0.69569.
gnomAD v4.1: 93,462 of 152,166 alleles (61%); highest among the groups gnomAD compares: East Asian, 85%; 29,013 homozygotes.

Submissions (4):

GeneDx
Classification: Benign. Last evaluated: 2021-05-11. Review status: criteria provided, single submitter. Criteria: GeneDx Variant Classification Process June 2021. Collection method: clinical testing. Allele origin: germline. Affected: yes.

Illumina Laboratory Services, Illumina
Classification: Benign for Glucocorticoid-remediable aldosteronism. Last evaluated: 2018-01-13. Review status: criteria provided, single submitter. Criteria: ICSL Variant Classification Criteria 13 December 2019. Collection method: clinical testing. Allele origin: germline.
Comment: This variant was observed in the ICSL laboratory as part of a predisposition screen in an ostensibly healthy population. It had not been previously curated by ICSL or reported in the Human Gene Mutation Database (HGMD: prior to June 1st, 2018), and was therefore a candidate for classification through an automated scoring system. Utilizing variant allele frequency, disease prevalence and penetrance estimates, and inheritance mode, an automated score was calculated to assess if this variant is too frequent to cause the disease. Based on the score and internal cut-off values, a variant classified as benign is not then subjected to further curation. The score for this variant resulted in a classification of benign for this disease.

Illumina Laboratory Services, Illumina
Classification: Benign for Deficiency of steroid 11-beta-monooxygenase. Last evaluated: 2018-01-13. Review status: criteria provided, single submitter. Criteria: ICSL Variant Classification Criteria 13 December 2019. Collection method: clinical testing. Allele origin: germline.
Comment: the same text as in the submission from Illumina Laboratory Services, Illumina above.

Breakthrough Genomics
Classification: Benign. Review status: criteria provided, single submitter. Criteria: ACMG Guidelines, 2015. Collection method: not provided. Allele origin: germline. Inheritance: Autosomal recessive inheritance. Affected: yes.